The following is an entry in ClinVar:

NM_001037131.3(AGAP1):c.424T>G (p.Phe142Val)

Gene: AGAP1 (ArfGAP with GTPase domain, ankyrin repeat and PH domain 1; plus strand). Cytogenetic location: 2q37.2.
Variant type: single nucleotide variant.
Coding change: c.424T>G on transcript NM_001037131.3 (MANE Select); coding-DNA position 424, T replaced by G.
Protein change: p.Phe142Val; replaces phenylalanine 142 with valine.
Molecular consequence: missense variant.
Genome position (GRCh38, 1-based): chr2:235,744,725, T>G. VCF-style: chr2-235744725-T-G. GRCh37 (hg19) VCF-style: chr2-236653369-T-G.
Other names: c.424T>G, p.Phe142Val (NM_001244888.2, NM_001412122.1, NM_014914.5); short protein forms F142V.
Identifiers: ClinVar variation 2106224 (VCV002106224.4), dbSNP rs778196676, ClinGen allele CA2184383.

ClinVar aggregate classification (germline): Uncertain significance (1 of 4 stars; one submission).

Allele frequency attached by ClinVar (database versions not stated): gnomAD exomes 0.00001; ExAC 0.00002.
gnomAD v4.1: 11 of 1,614,000 alleles (0.00068%); highest among the groups gnomAD compares: Non-Finnish European, 0.00093%; no homozygotes.

Submission:

Labcorp Genetics (formerly Invitae), Labcorp
Classification: Uncertain significance. Last evaluated: 2025-12-08. Review status: criteria provided, single submitter. Criteria: Invitae Variant Classification Sherloc (09022015). Collection method: clinical testing. Allele origin: germline.
Comment: This sequence change replaces phenylalanine, which is neutral and non-polar, with valine, which is neutral and non-polar, at codon 142 of the AGAP1 protein (p.Phe142Val). This variant is present in population databases (rs778196676, gnomAD 0.002%). This variant has not been reported in the literature in individuals affected with AGAP1-related conditions. ClinVar contains an entry for this variant (Variation ID: 2106224). An algorithm developed to predict the effect of missense changes on protein structure and function (PolyPhen-2) suggests that this variant is likely to be disruptive. In summary, the available evidence is currently insufficient to determine the role of this variant in disease. Therefore, it has been classified as a Variant of Uncertain Significance.